The following is an entry in ClinVar:

NM_000173.7(GP1BA):c.737G>T (p.Trp246Leu)

Gene: GP1BA (glycoprotein Ib platelet subunit alpha; plus strand). Cytogenetic location: 17p13.2.
Variant type: single nucleotide variant.
Coding change: c.737G>T on transcript NM_000173.7 (MANE Select); coding-DNA position 737, G replaced by T.
Protein change: p.Trp246Leu; replaces tryptophan 246 with leucine.
Molecular consequence: missense variant.
Genome position (GRCh38, 1-based): chr17:4,933,341, G>T. VCF-style: chr17-4933341-G-T. GRCh37 (hg19) VCF-style: chr17-4836636-G-T.
Other names: short protein forms W246L.
Identifiers: ClinVar variation 1684364 (VCV001684364.1), dbSNP rs2151107964, ClinGen allele CA397318363.

ClinVar aggregate classification (germline): Pathogenic (0 of 4 stars; one submission).

Conditions:
Pseudo von Willebrand disease (VWDP). Also called: Platelet-type von Willebrand disease; BLEEDING DISORDER, PLATELET-TYPE, 3. Identifiers: Orphanet 52530, MedGen C1280798, MONDO:0008332, OMIM 177820.

Submission:

ISTH-SSC Genomics in Thrombosis and Hemostasis, KU Leuven, Center for Molecular and Vascular Biology
Classification: Pathogenic for Pseudo von Willebrand disease. Review status: no assertion criteria provided. Collection method: research. Allele origin: paternal. Affected: yes.
Comment: Submitted to GoldVariant by Maha Othman from Hematological Research Institute, National Academy of Medicine, Buenos Aires, Argentina